The following is an entry in ClinVar:

ClinVar aggregate classification (germline): Uncertain significance. Review status: criteria provided, multiple submitters, no conflicts (2 of 4 stars). 3 submissions from 3 submitters: Uncertain significance (3). Last evaluated 2025-09-19.

Conditions:
LPIN1-related disorder. Also called: LPIN1-related condition.
Myoglobinuria, acute recurrent, autosomal recessive. Also called: MYOGLOBINURIA, FAMILIAL PAROXYSMAL PARALYTIC; RHABDOMYOLYSIS, ACUTE RECURRENT; Myoglobinuria, recurrent, autosomal recessive. Identifiers: Orphanet 99845, MedGen C1849386, MONDO:0009992, OMIM 268200.

Allele frequency attached by ClinVar (database versions not stated): gnomAD 0.00004 and 0.00036; TOPMed 0.00011; 1000 Genomes Project 0.00160; 1000 Genomes Project 30x 0.00203; ExAC 0.00363.
gnomAD v4.1: 805 of 1,541,290 alleles (0.052%); highest among the groups gnomAD compares: South Asian, 0.89%; 5 homozygotes.

Submissions (3):

PreventionGenetics, part of Exact Sciences
Classification: Uncertain significance for LPIN1-related condition. Last evaluated: 2025-09-19. Review status: criteria provided, single submitter. Criteria: ACMG Guidelines, 2015. Collection method: clinical testing. Allele origin: germline.
Comment: The LPIN1 c.870-2A>C variant is predicted to disrupt the AG splice acceptor site and interfere with normal splicing. This variant can also be referred to as c.722+2339A>C with the more commonly reported isoform, NM_145693. To our knowledge, this variant has not been reported in the literature. This variant is reported in 0.92% of alleles in individuals of South Asian descent in gnomAD. At this time, the clinical significance of this variant is uncertain due to the absence of conclusive functional and genetic evidence.

Fulgent Genetics
Classification: Uncertain significance for Myoglobinuria, acute recurrent, autosomal recessive. Last evaluated: 2022-05-26. Review status: criteria provided, single submitter. Criteria: ACMG Guidelines, 2015. Collection method: clinical testing. Allele origin: unknown.

GeneDx
Classification: Uncertain significance. Last evaluated: 2016-03-09. Review status: criteria provided, single submitter. Criteria: GeneDx Variant Classification (06012015). Collection method: clinical testing. Allele origin: germline. Affected: yes.
Comment: The c.741-2 A>C variant of uncertain significance in the LPIN1 gene has not been reported previously as a disease causing variant nor as a benign polymorphism, to our knowledge. The 1000 Genomes Project Consortium reports c.741-2 A>C was observed in 8 of 978 (0.82%) alleles from individuals of South Asian background, indicating it may be a rare variant in this population. This variant is only present in a single alternate transcript of the LPIN1 gene (NM_001261429.1), but not in any other known transcript, including the primary isoform used by the Human Gene Mutation database (NM_145693.2). This splice site variant destroys the canonical splice acceptor site in intron 6. However, exon 7 is transcribed in-frame and the missing residues from exon 6 are not in a known functional domain of LPIN1. Therefore, based on the currently available information, it is unclear whether this variant is a pathogenic variant or a rare benign variant

NM_001349206.2(LPIN1):c.723-2A>C

Gene: LPIN1 (lipin 1; plus strand). Cytogenetic location: 2p25.1.
Variant type: single nucleotide variant.
Coding change: c.723-2A>C on transcript NM_001349206.2 (MANE Select); the canonical splice acceptor site of the intron before coding-DNA position 723, A replaced by C.
Molecular consequence: splice acceptor variant. On other transcripts: intron variant (8).
Genome position (GRCh38, 1-based): chr2:11,776,084, A>C. VCF-style: chr2-11776084-A-C. GRCh37 (hg19) VCF-style: chr2-11916210-A-C.
Other names: c.870-2A>C (NM_001261428.1, NM_001261428.3); c.869+2339A>C (NM_001349208.2); c.813-2A>C (NM_001349207.2); c.740+2339A>C (NM_001261427.3); c.723-2A>C (NM_001349204.2, NM_001349205.2); c.723-5A>C (NM_001349202.2, NM_001349203.2); c.722+2339A>C (NM_001349200.2, NM_001349199.2, NM_001349201.2 and 1 more transcripts).
Identifiers: ClinVar variation 449053 (VCV000449053.4), dbSNP rs368632476, ClinGen allele CA1533503.